The following is an entry in ClinVar:

ClinVar aggregate classification (germline): Uncertain significance (1 of 4 stars; one submission).

Allele frequency attached by ClinVar (database versions not stated): gnomAD exomes below 0.00001.
gnomAD v4.1: 1 of 1,611,810 alleles (0.000062%); highest among the groups gnomAD compares: Non-Finnish European, 0.000085%; no homozygotes.

Submission:

Labcorp Genetics (formerly Invitae), Labcorp
Classification: Uncertain significance. Last evaluated: 2022-05-21. Review status: criteria provided, single submitter. Criteria: Invitae Variant Classification Sherloc (09022015). Collection method: clinical testing. Allele origin: germline.
Comment: This sequence change falls in intron 23 of the SLC12A6 gene. It does not directly change the encoded amino acid sequence of the SLC12A6 protein. In summary, the available evidence is currently insufficient to determine the role of this variant in disease. Therefore, it has been classified as a Variant of Uncertain Significance. Algorithms developed to predict the effect of sequence changes on RNA splicing suggest that this variant may disrupt the consensus splice site. This variant has not been reported in the literature in individuals affected with SLC12A6-related conditions. This variant is not present in population databases (gnomAD no frequency).

NM_001365088.1(SLC12A6):c.3228-12T>A

Gene: SLC12A6 (solute carrier family 12 member 6; minus strand). Cytogenetic location: 15q14.
Variant type: single nucleotide variant.
Coding change: c.3228-12T>A on transcript NM_001365088.1 (MANE Select); 12 bases into the intron before coding-DNA position 3228, T replaced by A.
Molecular consequence: intron variant.
Genome position (GRCh38, 1-based): chr15:34,235,326, A>T on the plus strand (T>A on the coding strand, the complement: SLC12A6 is on the minus strand). VCF-style: chr15-34235326-A-T. GRCh37 (hg19) VCF-style: chr15-34527527-A-T.
Other names: c.3051-12T>A (NM_001042495.2, NM_001042494.2); c.3201-12T>A (NM_001042496.2); c.3183-12T>A (NM_001042497.2); c.3228-12T>A (NM_133647.2); c.3075-12T>A (NM_005135.2).
Identifiers: ClinVar variation 1997284 (VCV001997284.4), dbSNP rs2509739711, ClinGen allele CA2580089257.